The following is an entry in ClinVar:

NM_003200.5(TCF3):c.98G>T (p.Gly33Val)

Gene: TCF3 (transcription factor 3; minus strand). Cytogenetic location: 19p13.3.
Variant type: single nucleotide variant.
Coding change: c.98G>T on transcript NM_003200.5 (MANE Select); coding-DNA position 98, G replaced by T.
Protein change: p.Gly33Val; replaces glycine 33 with valine.
Molecular consequence: missense variant.
Genome position (GRCh38, 1-based): chr19:1,646,402, C>A on the plus strand (G>T on the coding strand, the complement: TCF3 is on the minus strand). VCF-style: chr19-1646402-C-A. GRCh37 (hg19) VCF-style: chr19-1646401-C-A.
Other names: c.98G>T, p.Gly33Val (NM_001136139.4, NM_001351778.2, NM_001351779.2); short protein forms G33V.
Identifiers: ClinVar variation 1518774 (VCV001518774.9), dbSNP rs1356707949, ClinGen allele CA403080309.
Genomic context (GRCh38, chr19:1,646,402, plus strand): 5'-GGCGGGGTCCTACCTGAACCTCCGAACTGCGCCCCGGCCAGGGAGGCGGGCCGGCCCTTC[C>A]CGTTGGTGACAGGCAGCGGGAACATCTGCAGGGAGGGGAGGGGAGACGTGAGCGGGGCGG-3'
Protein context (NP_003191.1, residues 23-43): SMMFPLPVTN[Gly33Val]KGRPASLAGA

ClinVar aggregate classification (germline): Uncertain significance. Review status: criteria provided, multiple submitters, no conflicts (2 of 4 stars). 2 submissions from 2 submitters: Uncertain significance (2). Last evaluated 2023-07-29.

Submissions (2):

Labcorp Genetics (formerly Invitae), Labcorp
Classification: Uncertain significance. Last evaluated: 2023-07-29. Review status: criteria provided, single submitter. Criteria: Invitae Variant Classification Sherloc (09022015). Collection method: clinical testing. Allele origin: germline.
Comment: This variant has not been reported in the literature in individuals affected with TCF3-related conditions. ClinVar contains an entry for this variant (Variation ID: 1518774). Advanced modeling of protein sequence and biophysical properties (such as structural, functional, and spatial information, amino acid conservation, physicochemical variation, residue mobility, and thermodynamic stability) has been performed at Invitae for this missense variant, however the output from this modeling did not meet the statistical confidence thresholds required to predict the impact of this variant on TCF3 protein function. In summary, the available evidence is currently insufficient to determine the role of this variant in disease. Therefore, it has been classified as a Variant of Uncertain Significance. This variant is not present in population databases (gnomAD no frequency). This sequence change replaces glycine, which is neutral and non-polar, with valine, which is neutral and non-polar, at codon 33 of the TCF3 protein (p.Gly33Val).

Blueprint Genetics
Classification: Uncertain significance. Last evaluated: 2022-09-14. Review status: criteria provided, single submitter. Criteria: ACMG Guidelines, 2015. Collection method: clinical testing. Allele origin: germline.